The following is an entry in ClinVar:

ClinVar aggregate classification (germline): Uncertain significance (1 of 4 stars; one submission).

Conditions:
Nephronophthisis. Also called: Juvenile Nephronophthisis. Identifiers: Orphanet 655, MedGen C0687120, MONDO:0019005, HP:0000090.
Jeune thoracic dystrophy. Also called: Jeune syndrome; Infantile thoracic dystrophy; Thoracic pelvic phalangeal dystrophy; Jeune's syndrome; Chondroectodermal dysplasia-like syndrome; Short-rib thoracic dysplasia. Identifiers: Orphanet 474, MedGen C0265275, MONDO:0018770.

Allele frequency attached by ClinVar (database versions not stated): gnomAD exomes below 0.00001.

Submission:

Labcorp Genetics (formerly Invitae), Labcorp
Classification: Uncertain significance for Jeune thoracic dystrophy; Nephronophthisis. Last evaluated: 2021-12-28. Review status: criteria provided, single submitter. Criteria: Invitae Variant Classification Sherloc (09022015). Collection method: clinical testing. Allele origin: germline.
Comment: This variant has not been reported in the literature in individuals affected with TTC21B-related conditions. This sequence change replaces histidine, which is basic and polar, with arginine, which is basic and polar, at codon 770 of the TTC21B protein (p.His770Arg). This variant is not present in population databases (gnomAD no frequency). Algorithms developed to predict the effect of missense changes on protein structure and function are either unavailable or do not agree on the potential impact of this missense change (SIFT: "Deleterious"; PolyPhen-2: "Probably Damaging"; Align-GVGD: "Class C0"). Algorithms developed to predict the effect of sequence changes on RNA splicing suggest that this variant may create or strengthen a splice site. In summary, the available evidence is currently insufficient to determine the role of this variant in disease. Therefore, it has been classified as a Variant of Uncertain Significance.

NM_024753.5(TTC21B):c.2309A>G (p.His770Arg)

Gene: TTC21B (tetratricopeptide repeat domain 21B; minus strand). Cytogenetic location: 2q24.3.
Variant type: single nucleotide variant.
Coding change: c.2309A>G on transcript NM_024753.5 (MANE Select); coding-DNA position 2309, A replaced by G.
Protein change: p.His770Arg; replaces histidine 770 with arginine.
Molecular consequence: missense variant.
Genome position (GRCh38, 1-based): chr2:165,912,527, T>C on the plus strand (A>G on the coding strand, the complement: TTC21B is on the minus strand). VCF-style: chr2-165912527-T-C. GRCh37 (hg19) VCF-style: chr2-166769037-T-C.
Other names: short protein forms H770R.
Identifiers: ClinVar variation 1989839 (VCV001989839.4), dbSNP rs2468169391, ClinGen allele CA349057553.
Genomic context (GRCh38, chr2:165,912,527, plus strand): 5'-TGATAAATTTGATGCAACAGACATATTTCAAACAATAAAGTACTTACCATTGAGTAGTTA[T>C]GAGTTTTGATAAGTGCTTTGCCCATTTTGCTTGCCAATGTTCCATCTTTCGGGTTCTGAT-3'
Protein context (NP_079029.3, residues 760-780): SKMGKALIKT[His770Arg]NYSMAITYYE